The following is an entry in ClinVar:

ClinVar aggregate classification (germline): Conflicting classifications of pathogenicity. Review status: criteria provided, conflicting classifications (1 of 4 stars). 6 submissions from 6 submitters: Uncertain significance (1); Likely benign (5). Last evaluated 2026-03-01.

Conditions:
Norman-Roberts syndrome (LIS2). Also called: Lissencephaly 2 (Norman-Roberts type). Identifiers: Orphanet 89844, MedGen C0796089, MONDO:0009760, OMIM 257320.
Familial temporal lobe epilepsy 7. Identifiers: Orphanet 101046, MedGen C4225327, MONDO:0014639, OMIM 616436.

Allele frequency attached by ClinVar (database versions not stated): gnomAD exomes 0.00005 and 0.00015; ExAC 0.00023; ESP Exome Variant Server 0.00054; gnomAD 0.00072 and 0.00076; TOPMed 0.00077; 1000 Genomes Project 0.00100; 1000 Genomes Project 30x 0.00109.
gnomAD v4.1: 190 of 1,613,838 alleles (0.012%); highest among the groups gnomAD compares: African/African-American, 0.23%; no homozygotes.

Submissions (6):

CeGaT Center for Human Genetics Tuebingen
Classification: Likely benign. Last evaluated: 2026-03-01. Review status: criteria provided, single submitter. Criteria: CeGaT Center For Human Genetics Tuebingen Variant Classification Criteria Version 2. Collection method: clinical testing. Allele origin: germline. Affected: yes. Observed: 1 variant allele.
Comment: RELN: BP4, BP7

Labcorp Genetics (formerly Invitae), Labcorp
Classification: Likely benign for Familial temporal lobe epilepsy 7; Norman-Roberts syndrome. Last evaluated: 2026-01-24. Review status: criteria provided, single submitter. Criteria: Invitae Variant Classification Sherloc (09022015). Collection method: clinical testing. Allele origin: germline.

Women's Health and Genetics/Laboratory Corporation of America, LabCorp
Classification: Likely benign. Last evaluated: 2025-02-24. Review status: criteria provided, single submitter. Criteria: LabCorp Variant Classification Summary - May 2015. Collection method: clinical testing. Allele origin: germline.

Blueprint Genetics
Classification: Likely benign. Last evaluated: 2023-06-02. Review status: criteria provided, single submitter. Criteria: ACMG Guidelines, 2015. Collection method: clinical testing. Allele origin: germline.

GeneDx
Classification: Likely benign. Last evaluated: 2018-02-21. Review status: criteria provided, single submitter. Criteria: GeneDx Variant Classification (06012015). Collection method: clinical testing. Allele origin: germline. Affected: yes.
Comment: This variant is considered likely benign or benign based on one or more of the following criteria: it is a conservative change, it occurs at a poorly conserved position in the protein, it is predicted to be benign by multiple in silico algorithms, and/or has population frequency not consistent with disease.

Eurofins Ntd Llc (ga)
Classification: Uncertain significance. Last evaluated: 2016-04-13. Review status: criteria provided, single submitter. Criteria: EGL Classification Definitions 2015. Collection method: clinical testing. Allele origin: germline. Observed: 2 variant alleles, 2 heterozygotes.

NM_005045.4(RELN):c.1035A>G (p.Leu345=)

Gene: RELN (reelin; minus strand). Cytogenetic location: 7q22.1.
Variant type: single nucleotide variant.
Coding change: c.1035A>G on transcript NM_005045.4 (MANE Select); coding-DNA position 1035, A replaced by G.
Protein change: p.Leu345=; no amino-acid change (leucine 345 retained).
Molecular consequence: synonymous variant.
Genome position (GRCh38, 1-based): chr7:103,697,961, T>C on the plus strand (A>G on the coding strand, the complement: RELN is on the minus strand). VCF-style: chr7-103697961-T-C. GRCh37 (hg19) VCF-style: chr7-103338408-T-C.
Other names: c.1035A>G, p.Leu345= (NM_173054.3).
Identifiers: ClinVar variation 193678 (VCV000193678.20), dbSNP rs113998363, ClinGen allele CA239264.